The following is an entry in ClinVar:

NM_004336.5(BUB1):c.1612T>C (p.Tyr538His)

Gene: BUB1 (BUB1 mitotic checkpoint serine/threonine kinase; minus strand). Cytogenetic location: 2q13.
Variant type: single nucleotide variant.
Coding change: c.1612T>C on transcript NM_004336.5 (MANE Select); coding-DNA position 1612, T replaced by C.
Protein change: p.Tyr538His; replaces tyrosine 538 with histidine.
Molecular consequence: missense variant.
Genome position (GRCh38, 1-based): chr2:110,657,550, A>G on the plus strand (T>C on the coding strand, the complement: BUB1 is on the minus strand). VCF-style: chr2-110657550-A-G. GRCh37 (hg19) VCF-style: chr2-111415127-A-G.
Other names: c.1552T>C, p.Tyr518His (NM_001278616.2); c.1612T>C, p.Tyr538His (NM_001278617.2); short protein forms Y538H, Y518H.
Identifiers: ClinVar variation 1776430 (VCV001776430.3), dbSNP rs2468007343, ClinGen allele CA348211718.
Genomic context (GRCh38, chr2:110,657,550, plus strand): 5'-CTCTGGTCCCAGAGAAAACTCGGCAGCATCCCATTAACTAGATGGTATTTTTTTACCCAT[A>G]ATTTTCTTTGTTTCCATCTTCAAACACATGAAAAGCAGATGACAAAGAAGAGATGATCTT-3'
Protein context (NP_004327.1, residues 528-548): HVFEDGNKEN[Tyr538His]GLPQPKNKPT

ClinVar aggregate classification (germline): Uncertain significance (1 of 4 stars; one submission).

Submission:

Ambry Genetics
Classification: Uncertain significance. Last evaluated: 2023-08-26. Review status: criteria provided, single submitter. Criteria: Ambry Variant Classification Scheme 2023. Collection method: clinical testing. Allele origin: germline.
Comment: The p.Y538H variant (also known as c.1612T>C), located in coding exon 14 of the BUB1 gene, results from a T to C substitution at nucleotide position 1612. The tyrosine at codon 538 is replaced by histidine, an amino acid with similar properties. This amino acid position is conserved. In addition, this alteration is predicted to be tolerated by in silico analysis. Since supporting evidence is limited at this time, the clinical significance of this alteration remains unclear.